The following is an entry in ClinVar:

NM_015040.4(PIKFYVE):c.1496C>A (p.Ser499Ter)

Gene: PIKFYVE (phosphoinositide kinase, FYVE-type zinc finger containing; plus strand). Cytogenetic location: 2q34.
Variant type: single nucleotide variant.
Coding change: c.1496C>A on transcript NM_015040.4 (MANE Select); coding-DNA position 1496, C replaced by A.
Protein change: p.Ser499Ter; replaces serine 499 with a stop codon.
Molecular consequence: nonsense.
Genome position (GRCh38, 1-based): chr2:208,304,873, C>A. VCF-style: chr2-208304873-C-A. GRCh37 (hg19) VCF-style: chr2-209169597-C-A.
Other names: c.1496C>A, p.Ser499Ter (NM_001178000.2); c.1205C>A, p.Ser402Ter (NM_152671.4); short protein forms S402*, S499*.
Identifiers: ClinVar variation 5038000 (VCV005038000.2).

ClinVar aggregate classification (germline): Likely pathogenic (1 of 4 stars; one submission).

Conditions:
Fleck corneal dystrophy (CFD). Also called: CORNEAL DYSTROPHY, FRANCOIS-NEETENS SPECKLED OR FLECKED. Identifiers: Orphanet 98970, MedGen C1562113, MONDO:0007376, OMIM 121850.

Submission:

Juno Genomics, Hangzhou Juno Genomics, Inc
Classification: Likely pathogenic for Fleck corneal dystrophy. Review status: criteria provided, single submitter. Criteria: ACMG Guidelines, 2015. Collection method: clinical testing. Allele origin: germline.
Comment: Absent from controls (or at extremely low frequency if recessive) in Genome Aggregation Database.;Null variant in a gene where loss of function (LOF) is a known mechanism of disease.